The following is an entry in ClinVar:

NM_014285.7(EXOSC2):c.259C>T (p.Arg87Ter)

Gene: EXOSC2 (exosome component 2; plus strand). Cytogenetic location: 9q34.12.
Variant type: single nucleotide variant.
Coding change: c.259C>T on transcript NM_014285.7 (MANE Select); coding-DNA position 259, C replaced by T.
Protein change: p.Arg87Ter; replaces arginine 87 with a stop codon.
Molecular consequence: nonsense. On other transcripts: non-coding transcript variant (1).
Genome position (GRCh38, 1-based): chr9:130,697,616, C>T. VCF-style: chr9-130697616-C-T. GRCh37 (hg19) VCF-style: chr9-133573003-C-T.
Other names: c.259C>T, p.Arg87Ter (NM_001282708.1, NM_001282709.1); short protein forms R87*.
Identifiers: ClinVar variation 1018627 (VCV001018627.5), dbSNP rs748372672, ClinGen allele CA5284788.

ClinVar aggregate classification (germline): Uncertain significance. Review status: criteria provided, multiple submitters, no conflicts (2 of 4 stars). 2 submissions from 2 submitters: Uncertain significance (2). Last evaluated 2024-11-20.

Allele frequency attached by ClinVar (database versions not stated): gnomAD 0.00001; TOPMed 0.00001; ExAC 0.00002; gnomAD exomes 0.00003.

Submissions (2):

Blueprint Genetics
Classification: Uncertain significance. Last evaluated: 2024-11-20. Review status: criteria provided, single submitter. Criteria: ACMG Guidelines, 2015. Collection method: clinical testing. Allele origin: germline.

Labcorp Genetics (formerly Invitae), Labcorp
Classification: Uncertain significance. Last evaluated: 2022-09-01. Review status: criteria provided, single submitter. Criteria: Invitae Variant Classification Sherloc (09022015). Collection method: clinical testing. Allele origin: germline.
Comment: This sequence change creates a premature translational stop signal (p.Arg87*) in the EXOSC2 gene. It is expected to result in an absent or disrupted protein product. However, the current clinical and genetic evidence is not sufficient to establish whether loss-of-function variants in EXOSC2 cause disease. This variant is present in population databases (rs748372672, gnomAD 0.007%). This variant has not been reported in the literature in individuals affected with EXOSC2-related conditions. ClinVar contains an entry for this variant (Variation ID: 1018627). In summary, the available evidence is currently insufficient to determine the role of this variant in disease. Therefore, it has been classified as a Variant of Uncertain Significance.